The following is an entry in ClinVar:

ClinVar aggregate classification (germline): Uncertain significance. Review status: criteria provided, multiple submitters, no conflicts (2 of 4 stars). 5 submissions from 5 submitters: Uncertain significance (5). Last evaluated 2025-12-31.

Conditions:
Familial adenomatous polyposis 3. Also called: NTHL1-Related Adenomatous Polyposis and Colorectal Cancer; NTHL1-related attenuated familial adenomatous polyposis; NTHL1 Tumor Syndrome; NTHL1-associated polyposis. Identifiers: Orphanet 220460, Orphanet 454840, MedGen C4225157, MONDO:0014630, OMIM 616415.
Hereditary cancer-predisposing syndrome. Also called: Neoplastic Syndromes, Hereditary; Hereditary Cancer Syndrome; Tumor predisposition; Hereditary neoplastic syndrome. Identifiers: Orphanet 140162, MedGen C0027672, MeSH D009386, MONDO:0015356.

Allele frequency attached by ClinVar (database versions not stated): gnomAD exomes below 0.00001; gnomAD 0.00001; TOPMed 0.00002.
gnomAD v4.1: 5 of 1,609,688 alleles (0.00031%); highest among the groups gnomAD compares: East Asian, 0.0045%; no homozygotes.

Submissions (5):

Labcorp Genetics (formerly Invitae), Labcorp
Classification: Uncertain significance. Last evaluated: 2025-12-31. Review status: criteria provided, single submitter. Criteria: Invitae Variant Classification Sherloc (09022015). Collection method: clinical testing. Allele origin: germline.
Comment: This sequence change replaces leucine, which is neutral and non-polar, with proline, which is neutral and non-polar, at codon 172 of the NTHL1 protein (p.Leu172Pro). This variant is present in population databases (no rsID available, gnomAD 0.006%). This variant has not been reported in the literature in individuals affected with NTHL1-related conditions. ClinVar contains an entry for this variant (Variation ID: 646654). An algorithm developed to predict the effect of missense changes on protein structure and function (PolyPhen-2) suggests that this variant is likely to be disruptive. In summary, the available evidence is currently insufficient to determine the role of this variant in disease. Therefore, it has been classified as a Variant of Uncertain Significance.

Ambry Genetics
Classification: Uncertain significance for Hereditary cancer-predisposing syndrome. Last evaluated: 2024-04-25. Review status: criteria provided, single submitter. Criteria: Ambry Variant Classification Scheme 2023. Collection method: clinical testing. Allele origin: germline.
Comment: The p.L172P variant (also known as c.515T>C), located in coding exon 3 of the NTHL1 gene, results from a T to C substitution at nucleotide position 515. The leucine at codon 172 is replaced by proline, an amino acid with similar properties. This amino acid position is highly conserved in available vertebrate species. In addition, this alteration is predicted to be deleterious by in silico analysis. Based on the available evidence, the clinical significance of this variant remains unclear.

Baylor Genetics
Classification: Uncertain significance for Familial adenomatous polyposis 3. Last evaluated: 2023-07-13. Review status: criteria provided, single submitter. Criteria: ACMG Guidelines, 2015. Collection method: clinical testing. Allele origin: unknown.

CeGaT Center for Human Genetics Tuebingen
Classification: Uncertain significance. Last evaluated: 2019-11-01. Review status: criteria provided, single submitter. Criteria: CeGaT Center For Human Genetics Tuebingen Variant Classification Criteria Version 2. Collection method: clinical testing. Allele origin: germline. Affected: yes. Observed: 2 variant alleles.

GeneDx
Classification: Uncertain significance. Last evaluated: 2019-05-23. Review status: criteria provided, single submitter. Criteria: GeneDx Variant Classification Process June 2021. Collection method: clinical testing. Allele origin: germline. Affected: yes.
Comment: Has not been previously published as pathogenic or benign to our knowledge

NM_002528.7(NTHL1):c.491T>C (p.Leu164Pro)

Gene: NTHL1 (nth like DNA glycosylase 1; minus strand). Cytogenetic location: 16p13.3.
Variant type: single nucleotide variant.
Coding change: c.491T>C on transcript NM_002528.7 (MANE Select); coding-DNA position 491, T replaced by C.
Protein change: p.Leu164Pro; replaces leucine 164 with proline.
Molecular consequence: missense variant. On other transcripts: intron variant (1).
Genome position (GRCh38, 1-based): chr16:2,044,664, A>G on the plus strand (T>C on the coding strand, the complement: NTHL1 is on the minus strand). VCF-style: chr16-2044664-A-G. GRCh37 (hg19) VCF-style: chr16-2094665-A-G.
Other names: c.161T>C, p.Leu54Pro (NM_001318194.2); c.355-938T>C (NM_001318193.2); c.491T>C, p.Leu164Pro (LRG_1366t1); short protein forms L54P, L164P.
Identifiers: ClinVar variation 646654 (VCV000646654.54), dbSNP rs1162857718, ClinGen allele CA394294143.